The following is an entry in ClinVar:

ClinVar aggregate classification (germline): Uncertain significance. Review status: criteria provided, multiple submitters, no conflicts (2 of 4 stars). 2 submissions from 2 submitters: Uncertain significance (2). Last evaluated 2025-10-21.

Conditions:
Emery-Dreifuss muscular dystrophy 5, autosomal dominant (EDMD5). Also called: EMERY-DREIFUSS MUSCULAR DYSTROPHY 5. Identifiers: Orphanet 261, MedGen C2751805, MONDO:0013072, OMIM 612999.

Submissions (2):

Ambry Genetics
Classification: Uncertain significance. Last evaluated: 2025-10-21. Review status: criteria provided, single submitter. Criteria: Ambry Variant Classification Scheme 2023. Collection method: clinical testing. Allele origin: germline.

Labcorp Genetics (formerly Invitae), Labcorp
Classification: Uncertain significance for Emery-Dreifuss muscular dystrophy 5, autosomal dominant. Last evaluated: 2024-05-02. Review status: criteria provided, single submitter. Criteria: Invitae Variant Classification Sherloc (09022015). Collection method: clinical testing. Allele origin: germline.
Comment: This sequence change replaces phenylalanine, which is neutral and non-polar, with cysteine, which is neutral and slightly polar, at codon 3588 of the SYNE2 protein (p.Phe3588Cys). This variant is not present in population databases (gnomAD no frequency). This variant has not been reported in the literature in individuals affected with SYNE2-related conditions. An algorithm developed to predict the effect of missense changes on protein structure and function (PolyPhen-2) suggests that this variant is likely to be disruptive. In summary, the available evidence is currently insufficient to determine the role of this variant in disease. Therefore, it has been classified as a Variant of Uncertain Significance.

NM_182914.3(SYNE2):c.10763T>G (p.Phe3588Cys)

Gene: SYNE2 (spectrin repeat containing nuclear envelope protein 2; plus strand). Cytogenetic location: 14q23.2.
Variant type: single nucleotide variant.
Coding change: c.10763T>G on transcript NM_182914.3 (MANE Select); coding-DNA position 10763, T replaced by G.
Protein change: p.Phe3588Cys; replaces phenylalanine 3588 with cysteine.
Molecular consequence: missense variant.
Genome position (GRCh38, 1-based): chr14:64,074,033, T>G. VCF-style: chr14-64074033-T-G. GRCh37 (hg19) VCF-style: chr14-64540751-T-G.
Other names: c.10763T>G (NM_182914.2); c.10763T>G, p.Phe3588Cys (NM_015180.6); short protein forms F3588C.
Identifiers: ClinVar variation 3626832 (VCV003626832.3).